The following is an entry in ClinVar:

ClinVar aggregate classification (germline): Likely pathogenic (1 of 4 stars; one submission).

Submission:

Labcorp Genetics (formerly Invitae), Labcorp
Classification: Likely pathogenic. Last evaluated: 2020-09-09. Review status: criteria provided, single submitter. Criteria: Invitae Variant Classification Sherloc (09022015). Collection method: clinical testing. Allele origin: germline.
Comment: This variant has not been reported in the literature in individuals with ABCB11-related conditions. This variant is an in-frame deletion of the genomic region encompassing exon(s) 7-10 of the ABCB11 gene. It preserves the integrity of the reading frame. This variant disrupts the p.Glu297 amino acid residue in ABCB11. Other variant(s) that disrupt this residue have been determined to be pathogenic (PMID: 9806540, 19101985, 24991443, 12370274). This suggests that this residue is clinically significant, and that variants that disrupt this residue are likely to be disease-causing. In summary, the currently available evidence indicates that the variant is pathogenic, but additional data are needed to prove that conclusively. Therefore, this variant has been classified as Likely Pathogenic.

Literature cited by the submitters: PubMed 9806540; PubMed 19101985; PubMed 24991443; PubMed 12370274.

NC_000002.11:g.(?_169842610)_(169852002_?)del

Gene: ABCB11 (ATP binding cassette subfamily B member 11; minus strand). Cytogenetic location: 2q31.1.
Variant type: Deletion.
Identifiers: ClinVar variation 1068207 (VCV001068207.3).